The following is an entry in ClinVar:

ClinVar aggregate classification (germline): Uncertain significance. Review status: criteria provided, multiple submitters, no conflicts (2 of 4 stars). 2 submissions from 2 submitters: Uncertain significance (2). Last evaluated 2025-04-01.

Conditions:
Inborn genetic diseases. Identifiers: MedGen C0950123, MeSH D030342.

Allele frequency attached by ClinVar (database versions not stated): ExAC 0.00002; ESP Exome Variant Server 0.00008.

Submissions (2):

Ambry Genetics
Classification: Uncertain significance for Inborn genetic diseases. Last evaluated: 2025-04-01. Review status: criteria provided, single submitter. Criteria: Ambry Variant Classification Scheme 2023. Collection method: clinical testing. Allele origin: germline.

Labcorp Genetics (formerly Invitae), Labcorp
Classification: Uncertain significance. Last evaluated: 2024-10-15. Review status: criteria provided, single submitter. Criteria: Invitae Variant Classification Sherloc (09022015). Collection method: clinical testing. Allele origin: germline.
Comment: This sequence change replaces arginine, which is basic and polar, with proline, which is neutral and non-polar, at codon 726 of the TRPV6 protein (p.Arg726Pro). This variant is present in population databases (rs150837047, gnomAD 0.005%). This variant has not been reported in the literature in individuals affected with TRPV6-related conditions. Experimental studies and prediction algorithms are not available or were not evaluated, and the functional significance of this variant is currently unknown. In summary, the available evidence is currently insufficient to determine the role of this variant in disease. Therefore, it has been classified as a Variant of Uncertain Significance.

NM_018646.6(TRPV6):c.2177G>C (p.Arg726Pro)

Gene: TRPV6 (transient receptor potential cation channel subfamily V member 6; minus strand). Cytogenetic location: 7q34.
Variant type: single nucleotide variant.
Coding change: c.2177G>C on transcript NM_018646.6 (MANE Select); coding-DNA position 2177, G replaced by C.
Protein change: p.Arg726Pro; replaces arginine 726 with proline.
Molecular consequence: missense variant.
Genome position (GRCh38, 1-based): chr7:142,871,828, C>G on the plus strand (G>C on the coding strand, the complement: TRPV6 is on the minus strand). VCF-style: chr7-142871828-C-G. GRCh37 (hg19) VCF-style: chr7-142569581-C-G.
Other names: c.2057G>C (NM_018646.2); short protein forms R726P.
Identifiers: ClinVar variation 2903560 (VCV002903560.4), dbSNP rs150837047, ClinGen allele CA4532290.
Genomic context (GRCh38, chr7:142,871,828, plus strand): 5'-TCTCTCCTCAGGGTCCCTTGCCGAAGCCTTTCCCAATTGGCACTGCTGCGGGAGGTACTT[C>G]GAGACACTGAGGGCATAGGAAGGGACAGGTGGGGGCTGAAGGGACAGCCCAGCTCTAGTT-3'
Protein context (NP_061116.5, residues 716-736): HLSLPMPSVS[Arg726Pro]STSRSSANWE